The following is an entry in ClinVar:

NM_001378120.1(MBD5):c.4240G>A (p.Gly1414Arg)

Gene: MBD5 (methyl-CpG binding domain protein 5; plus strand). Cytogenetic location: 2q23.1.
Variant type: single nucleotide variant.
Coding change: c.4240G>A on transcript NM_001378120.1 (MANE Select); coding-DNA position 4240, G replaced by A.
Protein change: p.Gly1414Arg; replaces glycine 1414 with arginine.
Molecular consequence: missense variant.
Genome position (GRCh38, 1-based): chr2:148,489,872, G>A. VCF-style: chr2-148489872-G-A. GRCh37 (hg19) VCF-style: chr2-149247441-G-A.
Other names: c.3541G>A, p.Gly1181Arg (NM_018328.5); short protein forms G1414R, G1181R.
Identifiers: ClinVar variation 3723031 (VCV003723031.2).

ClinVar aggregate classification (germline): Uncertain significance (1 of 4 stars; one submission).

Conditions:
Intellectual developmental disorder, autosomal dominant 1. Also called: MBD5 Haploinsufficiency; Intellectual disability, autosomal dominant 1. Identifiers: Orphanet 228402, MedGen C1969562, MONDO:0007974, OMIM 156200.

Submission:

Labcorp Genetics (formerly Invitae), Labcorp
Classification: Uncertain significance for Intellectual developmental disorder, autosomal dominant 1. Last evaluated: 2025-02-07. Review status: criteria provided, single submitter. Criteria: Invitae Variant Classification Sherloc (09022015). Collection method: clinical testing. Allele origin: germline.
Comment: This sequence change replaces glycine, which is neutral and non-polar, with arginine, which is basic and polar, at codon 1181 of the MBD5 protein (p.Gly1181Arg). This variant is not present in population databases (gnomAD no frequency). This variant has not been reported in the literature in individuals affected with MBD5-related conditions. Experimental studies and prediction algorithms are not available or were not evaluated, and the functional significance of this variant is currently unknown. In summary, the available evidence is currently insufficient to determine the role of this variant in disease. Therefore, it has been classified as a Variant of Uncertain Significance.